The following is an entry in ClinVar:

NM_001042492.3(NF1):c.4274G>A (p.Gly1425Glu)

Gene: NF1 (neurofibromin 1; plus strand). Cytogenetic location: 17q11.2.
Variant type: single nucleotide variant.
Coding change: c.4274G>A on transcript NM_001042492.3 (MANE Select); coding-DNA position 4274, G replaced by A.
Protein change: p.Gly1425Glu; replaces glycine 1425 with glutamic acid.
Molecular consequence: missense variant.
Genome position (GRCh38, 1-based): chr17:31,258,444, G>A. VCF-style: chr17-31258444-G-A. GRCh37 (hg19) VCF-style: chr17-29585462-G-A.
Other names: c.4211G>A, p.Gly1404Glu (NM_000267.4); short protein forms G1404E, G1425E.
Identifiers: ClinVar variation 527420 (VCV000527420.6), dbSNP rs1555618547, ClinGen allele CA398997976.

ClinVar aggregate classification (germline): Uncertain significance. Review status: criteria provided, multiple submitters, no conflicts (2 of 4 stars). 2 submissions from 2 submitters: Uncertain significance (2). Last evaluated 2026-06-17.

Conditions:
Neurofibromatosis, type 1 (NF1). Also called: Peripheral type neurofibromatosis; Neurofibromatosis, type I; VON RECKLINGHAUSEN DISEASE; NEUROFIBROMATOSIS, TYPE I, SOMATIC. Identifiers: Orphanet 636, MedGen C0027831, MONDO:0018975, OMIM 162200. Disease mechanism: loss of function.
Cardiovascular phenotype. Identifiers: MedGen CN230736.
Hereditary cancer-predisposing syndrome. Also called: Hereditary Cancer Syndrome; Tumor predisposition; Hereditary neoplastic syndrome; Neoplastic Syndromes, Hereditary. Identifiers: Orphanet 140162, MedGen C0027672, MeSH D009386, MONDO:0015356.

Submissions (2):

Ambry Genetics
Classification: Uncertain significance for Cardiovascular phenotype; Hereditary cancer-predisposing syndrome. Last evaluated: 2026-06-17. Review status: criteria provided, single submitter. Criteria: Ambry Variant Classification Scheme 2023. Collection method: clinical testing. Allele origin: germline.
Comment: The p.G1404E variant (also known as c.4211G>A), located in coding exon 31 of the NF1 gene, results from a G to A substitution at nucleotide position 4211. The glycine at codon 1404 is replaced by glutamic acid, an amino acid with similar properties. This amino acid position is highly conserved in available vertebrate species. In addition, this alteration is predicted to be deleterious by in silico analysis. Based on the available evidence, the clinical significance of this variant remains unclear.

Labcorp Genetics (formerly Invitae), Labcorp
Classification: Uncertain significance for Neurofibromatosis, type 1. Last evaluated: 2024-11-19. Review status: criteria provided, single submitter. Criteria: Invitae Variant Classification Sherloc (09022015). Collection method: clinical testing. Allele origin: germline.
Comment: This sequence change replaces glycine, which is neutral and non-polar, with glutamic acid, which is acidic and polar, at codon 1404 of the NF1 protein (p.Gly1404Glu). This variant is not present in population databases (gnomAD no frequency). This variant has not been reported in the literature in individuals affected with NF1-related conditions. ClinVar contains an entry for this variant (Variation ID: 527420). Invitae Evidence Modeling of protein sequence and biophysical properties (such as structural, functional, and spatial information, amino acid conservation, physicochemical variation, residue mobility, and thermodynamic stability) indicates that this missense variant is expected to disrupt NF1 protein function with a positive predictive value of 95%. Experimental studies have shown that this missense change affects NF1 function (PMID: 8628317). In summary, the available evidence is currently insufficient to determine the role of this variant in disease. Therefore, it has been classified as a Variant of Uncertain Significance.

Literature cited by the submitters: PubMed 8628317 (cited by Labcorp Genetics (formerly Invitae), Labcorp).